The following continues an entry in ClinVar:

NM_000535.7(PMS2):c.320G>A (p.Arg107Gln)

Gene: PMS2. ClinVar aggregate classification (germline): Uncertain significance. Uncertain significance (15).

Submissions 8 to 16 of 16:

Ambry Genetics
Classification: Uncertain significance for Hereditary cancer-predisposing syndrome. Last evaluated: 2024-12-19. Review status: criteria provided, single submitter. Criteria: Ambry Variant Classification Scheme 2023. Collection method: clinical testing. Allele origin: germline.
Comment: The p.R107Q variant (also known as c.320G>A), located in coding exon 4 of the PMS2 gene, results from a G to A substitution at nucleotide position 320. The arginine at codon 107 is replaced by glutamine, an amino acid with highly similar properties. In one study, this variant was reported in 1/1058 individuals with colon cancer (Yurgelun MB et al. J. Clin. Oncol. 2017 Apr;35:1086-1095). In another study, this variant was reported in a proband whose family history met Amsterdam I/II criteria for Lynch syndrome (Thompson E et al. Clin. Genet., 2004 Mar;65:215-25). This amino acid position is highly conserved in available vertebrate species. In addition, this alteration is predicted to be deleterious by in silico analysis. Based on the available evidence, the clinical significance of this variant remains unclear.

Blueprint Genetics
Classification: Uncertain significance. Last evaluated: 2024-06-10. Review status: criteria provided, single submitter. Criteria: ACMG Guidelines, 2015. Collection method: clinical testing. Allele origin: germline.

Baylor Genetics
Classification: Uncertain significance for Lynch syndrome 4. Last evaluated: 2023-11-24. Review status: criteria provided, single submitter. Criteria: ACMG Guidelines, 2015. Collection method: clinical testing. Allele origin: unknown.

All of Us Research Program, National Institutes of Health
Classification: Uncertain significance for Lynch syndrome. Last evaluated: 2023-09-04. Review status: criteria provided, single submitter. Criteria: ACMG Guidelines, 2015. Collection method: clinical testing. Allele origin: germline. Inheritance: Autosomal dominant inheritance. Observed: 5 variant alleles, 5 heterozygotes.
Comment: This missense variant replaces arginine with glutamine at codon 107 of the PMS2 protein. Computational prediction suggests that this variant may have deleterious impact on protein structure and function (internally defined REVEL score threshold >= 0.7, PMID: 27666373). To our knowledge, functional studies have not been reported for this variant. This variant has been observed in individuals affected with Lynch syndrome-associated cancer (PMID: 14756672, 28135145). In a pancreatic cancer case-control study the variant was reported in an unaffected control and absent in cases (PMID: 32980694), and in a breast cancer case-control study it was reported in two cases and three unaffected controls (PMID: 33471991). This variant has been identified in 10/236632 chromosomes in the general population by the Genome Aggregation Database (gnomAD). A different variant affecting the same codon, c.319C>T (p.Arg107Trp), is considered to be disease-causing (ClinVar variation ID: 127789), suggesting this position is important for the protein function. The available evidence is insufficient to determine the role of this variant in disease conclusively. Therefore, this variant is classified as a Variant of Uncertain Significance.

This study involves interpretation of variants in research participants for the purpose of population health screening. Participant phenotype was not available at the time of variant classification. Additional details can be found in publication PMID: 35346344, PMCID: PMC8962531

GeneDx
Classification: Uncertain significance. Last evaluated: 2022-06-06. Review status: criteria provided, single submitter. Criteria: GeneDx Variant Classification Process June 2021. Collection method: clinical testing. Allele origin: germline. Affected: yes.
Comment: In silico analysis supports that this missense variant has a deleterious effect on protein structure/function; Observed in individuals with a personal or family history including colorectal and other cancers (Thompson 2014, Yurgelun 2017); This variant is associated with the following publications: (PMID: 14756672, 15521988, 28135145, 26333163, 32566746, 11574484)

Sema4
Classification: Uncertain significance for Hereditary cancer-predisposing syndrome. Last evaluated: 2021-12-16. Review status: criteria provided, single submitter. Criteria: Sema4 Curation Guidelines. Collection method: curation. Allele origin: germline.
Comment: The PMS2 c.320G>A (p.R107Q) variant has been reported in heterozygosity in at least 2 individuals with colorectal cancer (PMID: 28135145, 14756672). It has been reported in a large case-control study of breast cancer in 2/60466 cases and 3/53461 controls (PMID: 33471991) and in Japanese pancreatic cancer case-control study in 0/1005 cases and 1/23705 controls (PMID: 32980694). It was observed in 5/30458 chromosomes of the South Asian (SAS) subpopulation in the large and broad cohorts of the Genome Aggregation Database (PMID: 32461654). This variant has been reported in ClinVar (Variation ID 91351). In silico tools suggest the impact of the variant on protein function is deleterious, though these predictions have not been confirmed by functional studies. The evidence is insufficient to meet ACMG/AMP criteria for classifying the variant as benign or pathogenic. Thus, the clinical significance of this variant is currently uncertain.

Cancer Genomics Group, Japanese Foundation For Cancer Research
Classification: Uncertain significance for Hereditary breast and ovarian cancer syndrome. Last evaluated: 2019-05-01. Review status: criteria provided, single submitter. Criteria: ACMG Guidelines, 2015. Collection method: research. Allele origin: germline. Affected: yes.

Genetic Services Laboratory, University of Chicago
Classification: Uncertain significance. Last evaluated: 2019-04-01. Review status: criteria provided, single submitter. Criteria: ACMG Guidelines, 2015. Collection method: clinical testing. Allele origin: germline. Affected: no.

Dr. Peter K. Rogan Lab, Western University
No classification provided (evidence only). Condition: Familial prostate cancer. Review status: no classification provided. Collection method: in vitro. Allele origin: not applicable. Functional consequence: skipped exon. Not counted in ClinVar's aggregate classification.

Literature cited by the submitters: PubMed 14756672 (cited by 5 submitters); PubMed 28135145 (cited by 6 submitters); PubMed 15521988 (cited by Women's Health and Genetics/Laboratory Corporation of America, LabCorp and Ambry Genetics); PubMed 34326862 (cited by Labcorp Genetics (formerly Invitae), Labcorp and Color Diagnostics, LLC DBA Color Health); PubMed 32980694 (cited by 4 submitters); PubMed 33471991 (cited by 4 submitters).